The following is an entry in ClinVar:

ClinVar aggregate classification (germline): Pathogenic (1 of 4 stars; one submission).

Submission:

Athena Diagnostics
Classification: Pathogenic. Last evaluated: 2021-06-15. Review status: criteria provided, single submitter. Criteria: Athena Diagnostics Criteria. Collection method: clinical testing. Allele origin: unknown.
Comment: This variant has not been reported in large, multi-ethnic general populations. This variant has been identified in at least one individual with clinical features associated with this gene. This variant alters a critical location within the protein, and is expected to severely affect function and cause disease.

Literature cited by the submitters: PubMed 20378821.

NM_033380.3(COL4A5):c.1084G>A (p.Gly362Arg)

Gene: COL4A5 (collagen type IV alpha 5 chain; plus strand). Cytogenetic location: Xq22.3.
Variant type: single nucleotide variant.
Coding change: c.1084G>A on transcript NM_033380.3 (MANE Select); coding-DNA position 1084, G replaced by A.
Protein change: p.Gly362Arg; replaces glycine 362 with arginine.
Molecular consequence: missense variant.
Genome position (GRCh38, 1-based): chrX:108,586,666, G>A. VCF-style: chrX-108586666-G-A. GRCh37 (hg19) VCF-style: chrX-107829896-G-A.
Other names: c.1084G>A, p.Gly362Arg (NM_000495.5); short protein forms G362R.
Identifiers: ClinVar variation 1807133 (VCV001807133.1), dbSNP rs281874656, ClinGen allele CA258394.